The following is an entry in ClinVar:

ClinVar aggregate classification (germline): Uncertain significance (1 of 4 stars; one submission).

Submission:

CeGaT Center for Human Genetics Tuebingen
Classification: Uncertain significance. Last evaluated: 2022-11-01. Review status: criteria provided, single submitter. Criteria: CeGaT Center For Human Genetics Tuebingen Variant Classification Criteria Version 2. Collection method: clinical testing. Allele origin: germline. Affected: yes. Observed: 1 variant allele.
Comment: RIMS1: PM2

NM_014989.7(RIMS1):c.4250A>T (p.Asp1417Val)

Gene: RIMS1 (regulating synaptic membrane exocytosis 1; plus strand). Cytogenetic location: 6q13.
Variant type: single nucleotide variant.
Coding change: c.4250A>T on transcript NM_014989.7 (MANE Select); coding-DNA position 4250, A replaced by T.
Protein change: p.Asp1417Val; replaces aspartic acid 1417 with valine.
Molecular consequence: missense variant. On other transcripts: intron variant (24).
Genome position (GRCh38, 1-based): chr6:72,333,719, A>T. VCF-style: chr6-72333719-A-T. GRCh37 (hg19) VCF-style: chr6-73043422-A-T.
Other names: c.2210A>T, p.Asp737Val (NM_001168407.2); c.2171A>T, p.Asp724Val (NM_001350414.2); c.2267A>T, p.Asp756Val (NM_001350415.2); c.2216A>T, p.Asp739Val (NM_001350416.2); c.2189A>T, p.Asp730Val (NM_001350418.2); c.2324A>T, p.Asp775Val (NM_001350420.2); c.2069A>T, p.Asp690Val (NM_001350421.2); c.1958A>T, p.Asp653Val (NM_001350423.2); and 53 more; short protein forms D1417V, D581V, D606V, D632V, D633V, D634V, D647V, D648V.
Identifiers: ClinVar variation 2656693 (VCV002656693.24), dbSNP rs2552221077, ClinGen allele CA364692939.